The following is an entry in ClinVar:

ClinVar aggregate classification (germline): Benign/Likely benign. Review status: criteria provided, multiple submitters, no conflicts (2 of 4 stars). 16 submissions from 15 submitters: Benign (14); Likely benign (2). Last evaluated 2026-02-02.

Conditions:
Cardiovascular phenotype. Identifiers: MedGen CN230736.
Cardiomyopathy (CMYO). Also called: Cardiomyopathies. Identifiers: Orphanet 167848, MedGen C0878544, MONDO:0004994, HP:0001638. Inheritance: Various modes of inheritance.
Catecholaminergic polymorphic ventricular tachycardia 1. Also called: VENTRICULAR TACHYCARDIA, CATECHOLAMINERGIC POLYMORPHIC, 1, WITH OR WITHOUT ATRIAL DYSFUNCTION AND/OR DILATED CARDIOMYOPATHY; VENTRICULAR TACHYCARDIA, STRESS-INDUCED POLYMORPHIC 1; RYR2-Related Catecholaminergic Polymorphic Ventricular Tachycardia. Identifiers: Orphanet 3286, MedGen C1631597, MONDO:0011484, OMIM 604772.
Arrhythmogenic right ventricular dysplasia 2. Identifiers: MedGen C1832931.
Catecholaminergic polymorphic ventricular tachycardia (CVPT). Also called: Catecholamine-induced polymorphic ventricular tachycardia. Identifiers: Orphanet 3286, MedGen C5574922, MONDO:0017990.

Allele frequency attached by ClinVar (database versions not stated): ESP Exome Variant Server 0.00017; gnomAD 0.00119 and 0.00179; TOPMed 0.00193; gnomAD exomes 0.00341; ExAC 0.00466; 1000 Genomes Project 30x 0.00828; 1000 Genomes Project 0.00879.

Submissions (16):

Labcorp Genetics (formerly Invitae), Labcorp
Classification: Benign for Catecholaminergic polymorphic ventricular tachycardia 1. Last evaluated: 2026-02-02. Review status: criteria provided, single submitter. Criteria: Invitae Variant Classification Sherloc (09022015). Collection method: clinical testing. Allele origin: germline.

Molecular Diagnostic Laboratory for Inherited Cardiovascular Disease, Montreal Heart Institute
Classification: Benign. Last evaluated: 2025-04-09. Review status: criteria provided, single submitter. Criteria: ACMG Guidelines, 2015. Collection method: clinical testing. Allele origin: germline. Affected: no.

ARUP Laboratories, Molecular Genetics and Genomics, ARUP Laboratories
Classification: Benign. Last evaluated: 2025-04-03. Review status: criteria provided, single submitter. Criteria: ARUP Molecular Germline Variant Investigation Process 2024. Collection method: clinical testing. Allele origin: germline.

Blueprint Genetics
Classification: Likely benign. Last evaluated: 2024-11-19. Review status: criteria provided, single submitter. Criteria: ACMG Guidelines, 2015. Collection method: clinical testing. Allele origin: germline.

All of Us Research Program, National Institutes of Health
Classification: Benign for Catecholaminergic polymorphic ventricular tachycardia. Last evaluated: 2024-02-05. Review status: criteria provided, single submitter. Criteria: ACMG Guidelines, 2015. Collection method: clinical testing. Allele origin: germline. Inheritance: Autosomal dominant inheritance. Observed: 274 variant alleles, 269 heterozygotes, 5 homozygotes.
Comment: This study involves interpretation of variants in research participants for the purpose of population health screening. Participant phenotype was not available at the time of variant classification. Additional details can be found in publication PMID: 35346344, PMCID: PMC8962531

Women's Health and Genetics/Laboratory Corporation of America, LabCorp
Classification: Benign. Last evaluated: 2019-03-18. Review status: criteria provided, single submitter. Criteria: LabCorp Variant Classification Summary - May 2015. Collection method: clinical testing. Allele origin: germline.
Comment: Variant summary: RYR2 c.4740G>A alters a non-conserved nucleotide resulting in a synonymous change. 5/5 computational tools predict no significant impact on normal splicing. However, these predictions have yet to be confirmed by functional studies. The variant allele was found at a frequency of 0.0032 in 273374 control chromosomes, predominantly at a frequency of 0.042 within the East Asian subpopulation in the gnomAD database, including 10 homozygotes. The observed variant frequency within East Asian control individuals in the gnomAD database is approximately 1680-folds higher than the estimated maximal expected allele frequency for a pathogenic variant in RYR2 causing Cardiomyopathy phenotype (2.5e-05), strongly suggesting that the variant is a benign polymorphism found primarily in populations of East Asian origin. To our knowledge, no occurrence of c.4740G>A in individuals affected with Cardiomyopathy and no experimental evidence demonstrating its impact on protein function have been reported. Four ClinVar submissions from clinical diagnostic laboratories (evaluation after 2014) cite the variant as likely benign/benign. Based on the evidence outlined above, the variant was classified as benign.

Mayo Clinic Laboratories, Mayo Clinic
Classification: Benign. Last evaluated: 2018-10-09. Review status: criteria provided, single submitter. Criteria: ACMG Guidelines, 2015. Collection method: clinical testing. Allele origin: germline. Observed: 5 variant alleles.

Color Diagnostics, LLC DBA Color Health
Classification: Benign for Cardiomyopathy. Last evaluated: 2018-03-16. Review status: criteria provided, single submitter. Criteria: ACMG Guidelines, 2015. Collection method: clinical testing. Allele origin: germline.

Illumina Laboratory Services, Illumina
Classification: Benign for Catecholaminergic polymorphic ventricular tachycardia 1. Last evaluated: 2018-01-12. Review status: criteria provided, single submitter. Criteria: ICSL Variant Classification Criteria 13 December 2019. Collection method: clinical testing. Allele origin: germline.
Comment: This variant was observed in the ICSL laboratory as part of a predisposition screen in an ostensibly healthy population. It had not been previously curated by ICSL or reported in the Human Gene Mutation Database (HGMD: prior to June 1st, 2018), and was therefore a candidate for classification through an automated scoring system. Utilizing variant allele frequency, disease prevalence and penetrance estimates, and inheritance mode, an automated score was calculated to assess if this variant is too frequent to cause the disease. Based on the score and internal cut-off values, a variant classified as benign is not then subjected to further curation. The score for this variant resulted in a classification of benign for this disease.

Illumina Laboratory Services, Illumina
Classification: Benign for Catecholaminergic polymorphic ventricular tachycardia 1. Last evaluated: 2018-01-12. Review status: criteria provided, single submitter. Criteria: ICSL Variant Classification Criteria 13 December 2019. Collection method: clinical testing. Allele origin: germline.
Comment: the same text as in the submission from Illumina Laboratory Services, Illumina above.

CHEO Genetics Diagnostic Laboratory, Children's Hospital of Eastern Ontario
Classification: Benign for Cardiomyopathy. Last evaluated: 2016-06-12. Review status: criteria provided, single submitter. Criteria: ACMG Guidelines, 2015. Collection method: clinical testing. Allele origin: germline. Study: Canadian Open Genetics Repository.

Ambry Genetics
Classification: Benign for Cardiovascular phenotype. Last evaluated: 2016-03-03. Review status: criteria provided, single submitter. Criteria: Ambry Variant Classification Scheme 2023. Collection method: clinical testing. Allele origin: germline.

GeneDx
Classification: Benign. Last evaluated: 2015-03-03. Review status: criteria provided, single submitter. Criteria: GeneDx Variant Classification Process June 2021. Collection method: clinical testing. Allele origin: germline. Affected: yes.

Laboratory for Molecular Medicine, Mass General Brigham Personalized Medicine
Classification: Benign. Last evaluated: 2015-02-18. Review status: criteria provided, single submitter. Criteria: LMM Criteria. Collection method: clinical testing. Allele origin: germline. Observed: 14 variant alleles.
Comment: p.Pro1580Pro in exon 36 of RYR2: This variant is not expected to have clinical s ignificance because it does not alter an amino acid residue, is not located with in the splice consensus sequence, and has been identified in 5.5% (379/6868) of East Asian chromosomes by the Exome Aggregation Consortium (ExAC; dbSNP rs79811945).

Eurofins Ntd Llc (ga)
Classification: Benign. Last evaluated: 2013-11-26. Review status: criteria provided, single submitter. Criteria: EGL Classification Definitions 2015. Collection method: clinical testing. Allele origin: germline. Observed: 2 variant alleles, 2 heterozygotes.

PreventionGenetics, part of Exact Sciences
Classification: Likely benign. Review status: criteria provided, single submitter. Criteria: ACMG Guidelines, 2015. Collection method: clinical testing. Allele origin: germline.

NM_001035.3(RYR2):c.4740G>A (p.Pro1580=)

Gene: RYR2 (ryanodine receptor 2; plus strand). Cytogenetic location: 1q43.
Variant type: single nucleotide variant.
Coding change: c.4740G>A on transcript NM_001035.3 (MANE Select); coding-DNA position 4740, G replaced by A.
Protein change: p.Pro1580=; no amino-acid change (proline 1580 retained).
Molecular consequence: synonymous variant.
Genome position (GRCh38, 1-based): chr1:237,610,818, G>A. VCF-style: chr1-237610818-G-A. GRCh37 (hg19) VCF-style: chr1-237774118-G-A.
Other names: p.Pro1580=.
Identifiers: ClinVar variation 43795 (VCV000043795.40), dbSNP rs79811945, ClinGen allele CA009676.